The following is an entry in ClinVar:

ClinVar aggregate classification (germline): Pathogenic (1 of 4 stars; one submission).

Conditions:
PKD1-Biallelic Autosomal Recessive Polycystic Kidney Disease.

Submission:

Women's Health and Genetics/Laboratory Corporation of America, LabCorp
Classification: Pathogenic for PKD1-Biallelic Autosomal Recessive Polycystic Kidney Disease. Last evaluated: 2025-03-14. Review status: criteria provided, single submitter. Criteria: LabCorp Variant Classification Summary - May 2015. Collection method: clinical testing. Allele origin: germline.
Comment: Variant summary: PKD1 c.8957delA (p.Asp2986AlafsX8) results in a premature termination codon, predicted to cause a truncation of the encoded protein or absence of the protein due to nonsense mediated decay, which are commonly known mechanisms for disease. The variant was absent in 247120 control chromosomes. To our knowledge, no occurrence of c.8957delA in individuals affected with PKD1-Biallelic Autosomal Recessive Polycystic Kidney Disease and no experimental evidence demonstrating its impact on protein function have been reported. No submitters have cited clinical-significance assessments for this variant to ClinVar. Based on the evidence outlined above, the variant was classified as pathogenic.

NM_001009944.3(PKD1):c.8957del (p.Asp2986fs)

Gene: PKD1 (polycystin 1, transient receptor potential channel interacting; minus strand). Cytogenetic location: 16p13.3.
Variant type: Deletion.
Coding change: c.8957del on transcript NM_001009944.3 (MANE Select); coding-DNA position 8957, one base deleted (A; older notation c.8957delA).
Protein change: p.Asp2986fs; shifts the reading frame from aspartic acid 2986.
Molecular consequence: frameshift variant.
Genome position (GRCh38, 1-based): chr16:2,102,625, T deleted on the plus strand (A on the coding strand, the reverse complement: PKD1 is on the minus strand). VCF-style (leftmost placement, unchanged base first): chr16-2102624-GT-G. GRCh37 (hg19) VCF-style: chr16-2152625-GT-G.
Other names: c.8957del, p.Asp2986fs (NM_000296.4); c.8957delA (NM_001009944.3); short protein forms D2986fs.
Identifiers: ClinVar variation 3895645 (VCV003895645.1).